The following is an entry in ClinVar:

NM_000051.4(ATM):c.4917G>A (p.Pro1639=)

Gene: ATM (ATM serine/threonine kinase; plus strand). Cytogenetic location: 11q22.3.
Variant type: single nucleotide variant.
Coding change: c.4917G>A on transcript NM_000051.4 (MANE Select); coding-DNA position 4917, G replaced by A.
Protein change: p.Pro1639=; no amino-acid change (proline 1639 retained).
Molecular consequence: synonymous variant.
Genome position (GRCh38, 1-based): chr11:108,297,294, G>A. VCF-style: chr11-108297294-G-A. GRCh37 (hg19) VCF-style: chr11-108168021-G-A.
Other names: c.4917G>A, p.Pro1639= (NM_001351834.2).
Identifiers: ClinVar variation 231284 (VCV000231284.25), dbSNP rs140425622, ClinGen allele CA6265586.

ClinVar aggregate classification (germline): Benign/Likely benign. Review status: criteria provided, multiple submitters, no conflicts (2 of 4 stars). 9 submissions from 9 submitters: Benign (1); Likely benign (8). Last evaluated 2026-05-12.

Conditions:
Hereditary cancer-predisposing syndrome. Also called: Neoplastic Syndromes, Hereditary; Hereditary Cancer Syndrome; Tumor predisposition; Hereditary neoplastic syndrome. Identifiers: Orphanet 140162, MedGen C0027672, MeSH D009386, MONDO:0015356.
Hereditary breast ovarian cancer syndrome. Also called: Breast and ovarian cancer; BRCA1- and BRCA2-Associated Hereditary Breast and Ovarian Cancer; Hereditary breast and ovarian cancer syndrome; Hereditary breast and ovarian cancer syndrome (HBOC); Hereditary breast and/or ovarian cancer syndrome; Hereditary breast and ovarian cancer. Identifiers: Orphanet 145, MedGen C0677776, MeSH D061325, MONDO:0003582. Disease mechanism: loss of function.
Familial cancer of breast. Also called: hereditary breast carcinoma; Hereditary breast cancer; BREAST CANCER, FAMILIAL. Identifiers: Orphanet 227535, MedGen C0346153, MONDO:0016419, OMIM 114480. Disease mechanism: loss of function.
Ataxia-telangiectasia syndrome (AT). Also called: LOUIS-BAR SYNDROME; Ataxia-telangiectasia, complementation group D; AT, COMPLEMENTATION GROUP C; Ataxia-telangiectasia, complementation group E; Ataxia telangiectasia (A-T); Cerebello-oculocutaneous telangiectasia. Identifiers: Orphanet 100, MedGen C0004135, MONDO:0008840, OMIM 208900.

Allele frequency attached by ClinVar (database versions not stated): TOPMed 0.00002; ESP Exome Variant Server 0.00015.
gnomAD v4.1: 26 of 1,613,228 alleles (0.0016%); highest among the groups gnomAD compares: African/African-American, 0.0027%; no homozygotes.

Submissions (9):

German Consortium for Hereditary Breast and Ovarian Cancer, University Hospital Cologne
Classification: Likely benign for Hereditary breast ovarian cancer syndrome. Last evaluated: 2026-05-12. Review status: criteria provided, single submitter. Criteria: ClinGen ATM V1.5.0. Collection method: curation. Allele origin: germline.
Comment: This classification follows the ClinGen ACMG ATM v1.5.0 classification scheme; We chose these criteria: BP7 (supporting benign): Synonymous variant with no predicted impact on splicing, BS3 (supporting benign): functional in Lee et al. Cell 2025 188(18):5081-5099 (PMID: 40580951)

Labcorp Genetics (formerly Invitae), Labcorp
Classification: Likely benign for Ataxia-telangiectasia syndrome. Last evaluated: 2026-01-18. Review status: criteria provided, single submitter. Criteria: Invitae Variant Classification Sherloc (09022015). Collection method: clinical testing. Allele origin: germline.

Blueprint Genetics
Classification: Likely benign. Last evaluated: 2024-06-04. Review status: criteria provided, single submitter. Criteria: ACMG Guidelines, 2015. Collection method: clinical testing. Allele origin: germline.

Myriad Genetics, Inc.
Classification: Benign for Familial cancer of breast. Last evaluated: 2024-05-21. Review status: criteria provided, single submitter. Criteria: Myriad Autosomal Dominant, Autosomal Recessive and X-Linked Classification Criteria (2023). Collection method: clinical testing. Allele origin: unknown.
Comment: This variant is considered benign. This variant is a silent/synonymous amino acid change and it is not expected to impact splicing.

Women's Health and Genetics/Laboratory Corporation of America, LabCorp
Classification: Likely benign. Last evaluated: 2022-01-31. Review status: criteria provided, single submitter. Criteria: LabCorp Variant Classification Summary - May 2015. Collection method: clinical testing. Allele origin: germline.

Sema4
Classification: Likely benign for Hereditary cancer-predisposing syndrome. Last evaluated: 2021-09-30. Review status: criteria provided, single submitter. Criteria: Sema4 Curation Guidelines. Collection method: curation. Allele origin: germline.

GeneDx
Classification: Likely benign. Last evaluated: 2021-06-14. Review status: criteria provided, single submitter. Criteria: GeneDx Variant Classification Process June 2021. Collection method: clinical testing. Allele origin: germline. Affected: yes.

Color Diagnostics, LLC DBA Color Health
Classification: Likely benign for Hereditary cancer-predisposing syndrome. Last evaluated: 2017-12-18. Review status: criteria provided, single submitter. Criteria: ACMG Guidelines, 2015. Collection method: clinical testing. Allele origin: germline.

Ambry Genetics
Classification: Likely benign for Hereditary cancer-predisposing syndrome. Last evaluated: 2015-04-16. Review status: criteria provided, single submitter. Criteria: Ambry Variant Classification Scheme 2023. Collection method: clinical testing. Allele origin: germline.